The following is an entry in ClinVar:

ClinVar aggregate classification (germline): Uncertain significance (1 of 4 stars; one submission).

Conditions:
Hearing loss, autosomal dominant 73. Also called: DEAFNESS, AUTOSOMAL DOMINANT 73. Identifiers: MedGen C4540024, MONDO:0033260, OMIM 617663.

gnomAD v4.1: 1 of 1,551,530 alleles (0.000064%); no homozygotes.

Submission:

Victorian Clinical Genetics Services, Murdoch Childrens Research Institute
Classification: Uncertain significance for Hearing loss, autosomal dominant 73. Last evaluated: 2023-07-16. Review status: criteria provided, single submitter. Criteria: ACMG Guidelines, 2015. Collection method: clinical testing. Allele origin: germline. Inheritance: Autosomal dominant inheritance. Affected: yes.
Comment: Based on the classification scheme VCGS_Germline_v1.3.4, this variant is classified as VUS-3C. Following criteria are met: 0102 - Loss of function is a known mechanism of disease in this gene and is associated with autosomal recessive deafness 84A (MIM#613391). Dominant-negative is the postulated mechanism for autosomal dominant deafness 73 (MIM#617663) (PMID: 31655630). (I) 0108 - This gene is associated with both recessive and dominant disease. (I) 0115 - Variants in this gene are known to have variable expressivity. Intra-familial variability has been reported (PMID: 31655630). (I) 0200 - Variant is predicted to result in a missense amino acid change from asparagine to isoleucine. (I) 0251 - This variant is heterozygous. (I) 0301 - Variant is absent from gnomAD (both v2 and v3). (SP) 0309 - An alternative amino acid change at the same position has been observed in gnomAD (v2: 1 heterozygote, 0 homozygotes). (I) 0502 - Missense variant with conflicting in silico predictions and uninformative conservation. (I) 0604 - Variant is not located in an established domain, motif, hotspot or informative constraint region. (I) 0705 - No comparable missense variants have previous evidence for pathogenicity. (I) 0807 - This variant has no previous evidence of pathogenicity. (I) 0905 - No published segregation evidence has been identified for this variant. (I) 1007 - No published functional evidence has been identified for this variant. (I) Legend: (SP) - Supporting pathogenic, (I) - Information, (SB) - Supporting benign

Literature cited by the submitters: PubMed 31655630.

NM_001145026.2(PTPRQ):c.3974A>T (p.Asn1325Ile)

Gene: PTPRQ (protein tyrosine phosphatase receptor type Q; plus strand). Cytogenetic location: 12q21.31.
Variant type: single nucleotide variant.
Coding change: c.3974A>T on transcript NM_001145026.2 (MANE Select); coding-DNA position 3974, A replaced by T.
Protein change: p.Asn1325Ile; replaces asparagine 1325 with isoleucine.
Molecular consequence: missense variant.
Genome position (GRCh38, 1-based): chr12:80,546,656, A>T. VCF-style: chr12-80546656-A-T. GRCh37 (hg19) VCF-style: chr12-80940435-A-T.
Other names: short protein forms N1325I.
Identifiers: ClinVar variation 3376818 (VCV003376818.1).